The following is an entry in ClinVar:

ClinVar aggregate classification (germline): Uncertain significance (1 of 4 stars; one submission).

Allele frequency attached by ClinVar (database versions not stated): gnomAD exomes 0.00001; ExAC 0.00002.
gnomAD v4.1: 5 of 1,614,174 alleles (0.00031%); highest among the groups gnomAD compares: Middle Eastern, 0.016%; 1 homozygote.

Submission:

Labcorp Genetics (formerly Invitae), Labcorp
Classification: Uncertain significance. Last evaluated: 2022-09-16. Review status: criteria provided, single submitter. Criteria: Invitae Variant Classification Sherloc (09022015). Collection method: clinical testing. Allele origin: germline.
Comment: In summary, the available evidence is currently insufficient to determine the role of this variant in disease. Therefore, it has been classified as a Variant of Uncertain Significance. Algorithms developed to predict the effect of missense changes on protein structure and function (SIFT, PolyPhen-2, Align-GVGD) all suggest that this variant is likely to be tolerated. This variant has not been reported in the literature in individuals affected with TRPM6-related conditions. This variant is present in population databases (rs762329980, gnomAD 0.01%), including at least one homozygous and/or hemizygous individual. This sequence change replaces leucine, which is neutral and non-polar, with phenylalanine, which is neutral and non-polar, at codon 1413 of the TRPM6 protein (p.Leu1413Phe).

NM_017662.5(TRPM6):c.4239A>C (p.Leu1413Phe)

Gene: TRPM6 (transient receptor potential cation channel subfamily M member 6; minus strand). Cytogenetic location: 9q21.13.
Variant type: single nucleotide variant.
Coding change: c.4239A>C on transcript NM_017662.5 (MANE Select); coding-DNA position 4239, A replaced by C.
Protein change: p.Leu1413Phe; replaces leucine 1413 with phenylalanine.
Molecular consequence: missense variant.
Genome position (GRCh38, 1-based): chr9:74,762,432, T>G on the plus strand (A>C on the coding strand, the complement: TRPM6 is on the minus strand). VCF-style: chr9-74762432-T-G. GRCh37 (hg19) VCF-style: chr9-77377348-T-G.
Other names: c.4224A>C, p.Leu1408Phe (NM_001177310.2, NM_001177311.2); short protein forms L1413F, L1408F.
Identifiers: ClinVar variation 1945003 (VCV001945003.5), dbSNP rs762329980, ClinGen allele CA5084135.